The following is an entry in ClinVar:

ClinVar aggregate classification (germline): Uncertain significance (1 of 4 stars; one submission).

gnomAD v4.1: 1 of 1,611,560 alleles (0.000062%); highest among the groups gnomAD compares: Admixed American, 0.0017%; no homozygotes.

Submission:

Women's Health and Genetics/Laboratory Corporation of America, LabCorp
Classification: Uncertain significance. Last evaluated: 2025-06-09. Review status: criteria provided, single submitter. Criteria: LabCorp Variant Classification Summary - May 2015. Collection method: clinical testing. Allele origin: germline.
Comment: Variant summary: KIF5C c.1396A>G (p.Ile466Val) results in a conservative amino acid change in the encoded protein sequence. Algorithms developed to predict the effect of missense changes on protein structure and function are either unavailable or do not agree on the potential impact of this missense change. The variant was absent in 244212 control chromosomes (gnomAD). The available data on variant occurrences in the general population are insufficient to allow any conclusion about variant significance. To our knowledge, no occurrence of c.1396A>G in individuals affected with Complex Cortical Dysplasia With Other Brain Malformations 2 and no experimental evidence demonstrating its impact on protein function have been reported. No submitters have cited clinical-significance assessments for this variant to ClinVar. Based on the evidence outlined above, the variant was classified as uncertain significance.

NM_004522.3(KIF5C):c.1396A>G (p.Ile466Val)

Gene: KIF5C (kinesin family member 5C; plus strand). Cytogenetic location: 2q23.1.
Variant type: single nucleotide variant.
Coding change: c.1396A>G on transcript NM_004522.3 (MANE Select); coding-DNA position 1396, A replaced by G.
Protein change: p.Ile466Val; replaces isoleucine 466 with valine.
Molecular consequence: missense variant. On other transcripts: non-coding transcript variant (1).
Genome position (GRCh38, 1-based): chr2:148,981,388, A>G. VCF-style: chr2-148981388-A-G. GRCh37 (hg19) VCF-style: chr2-149837902-A-G.
Other names: short protein forms I466V.
Identifiers: ClinVar variation 3907303 (VCV003907303.1).